The following is an entry in ClinVar:

ClinVar aggregate classification (germline): Likely pathogenic (1 of 4 stars; one submission).

Conditions:
Argininosuccinate lyase deficiency. Also called: Argininosuccinic aciduria; ARGININOSUCCINIC ACID LYASE DEFICIENCY; ASL DEFICIENCY. Identifiers: Orphanet 23, MedGen C0268547, MONDO:0008815, OMIM 207900, HP:0025630.

Submission:

Lifecell International Pvt. Ltd
Classification: Likely pathogenic for Argininosuccinate lyase deficiency. Review status: criteria provided, single submitter. Criteria: ACMG Guidelines, 2015. Collection method: clinical testing. Allele origin: germline. Inheritance: Autosomal recessive inheritance. Affected: yes. Observed: 1 homozygote.
Comment: A Homozygote Frameshift variant c.476delC in Exon 7 of the ASL gene that results in the amino acid substitution p.His160fs*15 was identified. The observed variant is novel in gnomAD exomes and genomes. The severity of the impact of this variant on the protein is high, based on the effect of the protein and REVEL score . Rare Exome Variant Ensemble Learner (REVEL) is an ensembl method for predicting the pathogenicity of missense variants based on a combination of scores from 13 individual tools: MutPred, FATHMM v2.3, VEST 3.0, PolyPhen-2, SIFT, PROVEAN, MutationAssessor, MutationTaster, LRT, GERP++, SiPhy, phyloP, and phastCons. The REVEL score for an individual missense variant can range from 0 to 1, with higher scores reflecting greater likelihood that the variant is disease-causing. For these reasons, this variant has been classified as Likely Pathogenic.

NM_000048.4(ASL):c.478del (p.His160fs)

Gene: ASL (argininosuccinate lyase; plus strand). Cytogenetic location: 7q11.21.
Variant type: Deletion.
Coding change: c.478del on transcript NM_000048.4 (MANE Select); coding-DNA position 478, one base deleted (C; older notation c.478delC).
Protein change: p.His160fs; shifts the reading frame from histidine 160.
Molecular consequence: frameshift variant.
Genome position (GRCh38, 1-based): chr7:66,086,616, C deleted; the last of 3 consecutive C bases (chr7:66,086,614-66,086,616); deleting any one gives the same sequence. VCF-style (leftmost placement, unchanged base first): chr7-66086613-AC-A. GRCh37 (hg19) VCF-style: chr7-65551600-AC-A.
Other names: c.478del, p.His160fs (NM_001024944.2, NM_001024946.2, NM_001024943.2); c.476delC (NM_000048.4); short protein forms H160fs.
Identifiers: ClinVar variation 2446728 (VCV002446728.2), dbSNP rs2485007913, ClinGen allele CA2580077312.
Genomic context (GRCh38, chr7:66,086,613, plus strand): 5'-CCACCCGAGCTTCTGCTCCTCCTCTCCCACAGGGAACGTGATGTTCTCTTCCCGGGGTAC[AC>A]CCATTTGCAGAGGGCCCAGCCCATCCGCTGGAGCCACTGGATTCTGAGGTGAGCCAGGTG-3'